The following is an entry in ClinVar:

ClinVar aggregate classification (germline): Uncertain significance (1 of 4 stars; one submission).

Conditions:
Developmental and epileptic encephalopathy, 23 (DEE23). Also called: Epileptic encephalopathy, early infantile, 23. Identifiers: Orphanet 411986, MedGen C4014492, MONDO:0014371, OMIM 615859.

gnomAD v4.1: 1 of 1,612,028 alleles (0.000062%); highest among the groups gnomAD compares: Non-Finnish European, 0.000085%; no homozygotes.

Submission:

Labcorp Genetics (formerly Invitae), Labcorp
Classification: Uncertain significance for Developmental and epileptic encephalopathy, 23. Last evaluated: 2026-01-02. Review status: criteria provided, single submitter. Criteria: Invitae Variant Classification Sherloc (09022015). Collection method: clinical testing. Allele origin: germline.
Comment: This sequence change replaces valine, which is neutral and non-polar, with methionine, which is neutral and non-polar, at codon 1101 of the DOCK7 protein (p.Val1101Met). This variant is not present in population databases (gnomAD no frequency). This variant has not been reported in the literature in individuals affected with DOCK7-related conditions. An algorithm developed to predict the effect of missense changes on protein structure and function (PolyPhen-2) suggests that this variant is likely to be tolerated. Algorithms developed to predict the effect of sequence changes on RNA splicing suggest that this variant may disrupt the consensus splice site. In summary, the available evidence is currently insufficient to determine the role of this variant in disease. Therefore, it has been classified as a Variant of Uncertain Significance.

NM_001367561.1(DOCK7):c.3301G>A (p.Val1101Met)

Gene: DOCK7 (dedicator of cytokinesis 7; minus strand). Cytogenetic location: 1p31.3.
Variant type: single nucleotide variant.
Coding change: c.3301G>A on transcript NM_001367561.1 (MANE Select); coding-DNA position 3301, G replaced by A.
Protein change: p.Val1101Met; replaces valine 1101 with methionine.
Molecular consequence: missense variant.
Genome position (GRCh38, 1-based): chr1:62,538,061, C>T on the plus strand (G>A on the coding strand, the complement: DOCK7 is on the minus strand). VCF-style: chr1-62538061-C-T. GRCh37 (hg19) VCF-style: chr1-63003732-C-T.
Other names: c.3301G>A, p.Val1101Met (NM_001271999.2, NM_001330614.2); c.3208G>A, p.Val1070Met (NM_001272000.2, NM_001272001.2, NM_033407.4); short protein forms V1070M, V1101M.
Identifiers: ClinVar variation 4729638 (VCV004729638.1).
Genomic context (GRCh38, chr1:62,538,061, plus strand): 5'-AATCCAGCCTCAAGGACACCAGAACACTGGGATTCGGTAATGAGTAAAGCTTTGAAGACA[C>T]CTTGTAAGCAATGCATAAGTAAGAGAACACCAATTGAATCTATTATTTCTTTAATACTAA-3'
Protein context (NP_001354490.1, residues 1091-1111): FSLIKSCYKQ[Val1101Met]SSKLYSLPNP